The following is an entry in ClinVar:

NM_138694.4(PKHD1):c.4838G>A (p.Cys1613Tyr)

Genes: PKHD1 (PKHD1 ciliary IPT domain containing fibrocystin/polyductin; minus strand), LOC126859690 (MED14-independent group 3 enhancer GRCh37_chr6:51888848-51890047; plus strand). Cytogenetic location: 6p12.2.
Variant type: single nucleotide variant.
Coding change: c.4838G>A on transcript NM_138694.4 (MANE Select); coding-DNA position 4838, G replaced by A.
Protein change: p.Cys1613Tyr; replaces cysteine 1613 with tyrosine.
Molecular consequence: missense variant.
Genome position (GRCh38, 1-based): chr6:52,024,972, C>T on the plus strand (G>A on the coding strand, the complement: PKHD1 is on the minus strand). VCF-style: chr6-52024972-C-T. GRCh37 (hg19) VCF-style: chr6-51889770-C-T.
Other names: c.4838G>A, p.Cys1613Tyr (NM_170724.3); c.4838G>A (NM_138694.3); short protein forms C1613Y.
Identifiers: ClinVar variation 1451341 (VCV001451341.11), dbSNP rs375437755, ClinGen allele CA3852661.

ClinVar aggregate classification (germline): Pathogenic/Likely pathogenic. Review status: criteria provided, multiple submitters, no conflicts (2 of 4 stars). 4 submissions from 4 submitters: Pathogenic (1); Likely pathogenic (3). Last evaluated 2025-07-10.

Conditions:
Autosomal recessive polycystic kidney disease (ARPKD). Also called: AR polycystic kidney disease. Identifiers: Orphanet 731, Orphanet 8378, MedGen C0085548, MeSH D017044, MONDO:0009889.
Polycystic kidney disease 4 (PKD4). Also called: POLYCYSTIC KIDNEY DISEASE 4 WITH OR WITHOUT POLYCYSTIC LIVER DISEASE; PKD3; Autosomal Recessive Polycystic Kidney Disease – PKHD1; POLYCYSTIC KIDNEY AND HEPATIC DISEASE 1; POLYCYSTIC KIDNEY DISEASE, INFANTILE, TYPE I. Identifiers: MedGen C4540575, MONDO:0033004, OMIM 263200.

Allele frequency attached by ClinVar (database versions not stated): gnomAD 0.00001; gnomAD exomes 0.00001; TOPMed 0.00001; ExAC 0.00002; ESP Exome Variant Server 0.00015.
gnomAD v4.1: 3 of 1,614,094 alleles (0.00019%); highest among the groups gnomAD compares: Non-Finnish European, 0.00025%; no homozygotes.

Submissions (4):

Natera, Inc.
Classification: Likely pathogenic for Autosomal recessive polycystic kidney disease. Last evaluated: 2025-07-10. Review status: criteria provided, single submitter. Criteria: Natera Variant Classification Schema (03/2026). Collection method: clinical testing. Allele origin: germline.
Comment: The c.4838G>A variant in PKHD1 is a missense variant predicted to cause substitution of cysteine to tyrosine at amino acid 1613. This variant is rare in the general population with a frequency below the threshold expected for the associated phenotype(s). This variant has been observed in one or more individuals affected with the associated recessive disease, as either homozygous or compound heterozygous with a second variant (PMID: 16133180). Computational prediction algorithms indicate this variant is likely to affect gene or protein function. Given the available evidence, this variant is classified as Likely Pathogenic.

Fulgent Genetics
Classification: Likely pathogenic for Polycystic kidney disease 4. Last evaluated: 2024-01-30. Review status: criteria provided, single submitter. Criteria: ACMG Guidelines, 2015. Collection method: clinical testing. Allele origin: germline.

Baylor Genetics
Classification: Likely pathogenic for Polycystic kidney disease 4. Last evaluated: 2022-09-09. Review status: criteria provided, single submitter. Criteria: ACMG Guidelines, 2015. Collection method: clinical testing. Allele origin: unknown.

Labcorp Genetics (formerly Invitae), Labcorp
Classification: Pathogenic for Autosomal recessive polycystic kidney disease. Last evaluated: 2021-07-06. Review status: criteria provided, single submitter. Criteria: Invitae Variant Classification Sherloc (09022015). Collection method: clinical testing. Allele origin: germline.
Comment: This sequence change replaces cysteine with tyrosine at codon 1613 of the PKHD1 protein (p.Cys1613Tyr). The cysteine residue is highly conserved and there is a large physicochemical difference between cysteine and tyrosine. This variant is present in population databases (rs375437755, ExAC 0.003%). This variant has been observed in individual(s) with autosomal recessive polycystic kidney disease (PMID: 16133180, Invitae). In at least one individual the data is consistent with the variant being in trans (on the opposite chromosome) from a pathogenic variant. Advanced modeling of protein sequence and biophysical properties (such as structural, functional, and spatial information, amino acid conservation, physicochemical variation, residue mobility, and thermodynamic stability) performed at Invitae indicates that this missense variant is expected to disrupt PKHD1 protein function. For these reasons, this variant has been classified as Pathogenic.

Literature cited by the submitters: PubMed 16133180 (cited by Natera, Inc. and Labcorp Genetics (formerly Invitae), Labcorp).